The following is an entry in ClinVar:

NM_001042424.3(NSD2):c.1910C>T (p.Ser637Leu)

Gene: NSD2 (nuclear receptor binding SET domain protein 2; plus strand). Cytogenetic location: 4p16.3.
Variant type: single nucleotide variant.
Coding change: c.1910C>T on transcript NM_001042424.3 (MANE Select); coding-DNA position 1910, C replaced by T.
Protein change: p.Ser637Leu; replaces serine 637 with leucine.
Molecular consequence: missense variant.
Genome position (GRCh38, 1-based): chr4:1,951,100, C>T. VCF-style: chr4-1951100-C-T. GRCh37 (hg19) VCF-style: chr4-1952827-C-T.
Other names: c.1910C>T (NM_133330.2); c.1910C>T, p.Ser637Leu (NM_133330.3, NM_133331.3, NM_133335.4); short protein forms S637L.
Identifiers: ClinVar variation 3250648 (VCV003250648.20), dbSNP rs201252361.

ClinVar aggregate classification (germline): Conflicting classifications of pathogenicity. Review status: criteria provided, conflicting classifications (1 of 4 stars). 3 submissions from 3 submitters: Uncertain significance (1); Likely benign (2). Last evaluated 2025-11-14.

Conditions:
Inborn genetic diseases. Identifiers: MedGen C0950123, MeSH D030342.

Allele frequency attached by ClinVar (database versions not stated): ExAC 0.00005; gnomAD 0.00005; TOPMed 0.00005; gnomAD exomes 0.00008.
gnomAD v4.1: 129 of 1,614,064 alleles (0.008%); highest among the groups gnomAD compares: East Asian, 0.025%; no homozygotes.

Submissions (3):

Labcorp Genetics (formerly Invitae), Labcorp
Classification: Uncertain significance. Last evaluated: 2025-11-14. Review status: criteria provided, single submitter. Criteria: Invitae Variant Classification Sherloc (09022015). Collection method: clinical testing. Allele origin: germline.
Comment: This sequence change replaces serine, which is neutral and polar, with leucine, which is neutral and non-polar, at codon 637 of the WHSC1 protein (p.Ser637Leu). This variant is present in population databases (rs201252361, gnomAD 0.05%), and has an allele count higher than expected for a pathogenic variant. This variant has not been reported in the literature in individuals affected with WHSC1-related conditions. ClinVar contains an entry for this variant (Variation ID: 3250648). Invitae Evidence Modeling of protein sequence and biophysical properties (such as structural, functional, and spatial information, amino acid conservation, physicochemical variation, residue mobility, and thermodynamic stability) indicates that this missense variant is not expected to disrupt WHSC1 protein function with a negative predictive value of 80%. In summary, the available evidence is currently insufficient to determine the role of this variant in disease. Therefore, it has been classified as a Variant of Uncertain Significance.

Ambry Genetics
Classification: Likely benign for Inborn genetic diseases. Last evaluated: 2024-11-07. Review status: criteria provided, single submitter. Criteria: Ambry Variant Classification Scheme 2023. Collection method: clinical testing. Allele origin: germline.

CeGaT Center for Human Genetics Tuebingen
Classification: Likely benign. Last evaluated: 2024-07-01. Review status: criteria provided, single submitter. Criteria: CeGaT Center For Human Genetics Tuebingen Variant Classification Criteria Version 2. Collection method: clinical testing. Allele origin: germline. Affected: yes. Observed: 1 variant allele.
Comment: NSD2: BS1